The following is an entry in ClinVar:

ClinVar aggregate classification (germline): Uncertain significance (1 of 4 stars; one submission).

Submission:

GeneDx
Classification: Uncertain significance. Last evaluated: 2026-04-23. Review status: criteria provided, single submitter. Criteria: GeneDx Variant Classification Process June 2021. Collection method: clinical testing. Allele origin: germline.
Comment: Not observed at significant frequency in large population cohorts (gnomAD); Has not been previously published as pathogenic or benign to our knowledge; Reported using an alternate transcript of the gene; Nonsense variant predicted to result in protein truncation or nonsense mediated decay in a gene or region of a gene for which loss of function is not an established mechanism of disease

NM_004068.4(AP2M1):c.74+483C>T

Genes: AP2M1 (adaptor related protein complex 2 subunit mu 1; plus strand), LOC123453202 (Sharpr-MPRA regulatory region 464; plus strand). Cytogenetic location: 3q27.1.
Variant type: single nucleotide variant.
Coding change: c.74+483C>T on transcript NM_004068.4 (MANE Select); 483 bases into the intron after coding-DNA position 74, C replaced by T.
Molecular consequence: intron variant. On other transcripts: nonsense (1).
Genome position (GRCh38, 1-based): chr3:184,177,550, C>T. VCF-style: chr3-184177550-C-T. GRCh37 (hg19) VCF-style: chr3-183895338-C-T.
Other names: c.82C>T, p.Gln28Ter (NM_001311198.2); c.74+483C>T (NM_001025205.2); short protein forms Q28*.
Identifiers: ClinVar variation 5037236 (VCV005037236.1).